The following is an entry in ClinVar:

NM_001267550.2(TTN):c.63330G>A (p.Ala21110=)

Genes: TTN (titin; minus strand), TTN-AS1 (TTN antisense RNA 1; plus strand). Cytogenetic location: 2q31.2.
Variant type: single nucleotide variant.
Coding change: c.63330G>A on transcript NM_001267550.2 (MANE Select); coding-DNA position 63330, G replaced by A.
Protein change: p.Ala21110=; no amino-acid change (alanine 21110 retained).
Molecular consequence: synonymous variant.
Genome position (GRCh38, 1-based): chr2:178,588,077, C>T on the plus strand (G>A on the coding strand, the complement: TTN is on the minus strand). VCF-style: chr2-178588077-C-T. GRCh37 (hg19) VCF-style: chr2-179452804-C-T.
Other names: c.55626G>A, p.Ala18542= (NM_133378.4); c.58407G>A, p.Ala19469= (NM_001256850.1); c.36135G>A, p.Ala12045= (NM_003319.4); c.36510G>A, p.Ala12170= (NM_133432.3); c.36711G>A, p.Ala12237= (NM_133437.4).
Identifiers: ClinVar variation 179471 (VCV000179471.52), dbSNP rs727504885, ClinGen allele CA184480.

ClinVar aggregate classification (germline): Likely benign. Review status: criteria provided, multiple submitters, no conflicts (2 of 4 stars). 11 submissions from 11 submitters: Likely benign (8). 3 of the submissions do not count toward it. Last evaluated 2026-02-03.

Conditions:
Cardiovascular phenotype. Identifiers: MedGen CN230736.
TTN-related disorder. Also called: TTN-related condition; TTN-related disease; TTN-related disorders.
Dilated cardiomyopathy 1G (CMD1G). Identifiers: Orphanet 154, MedGen C1858763, MONDO:0011400, OMIM 604145.
Autosomal recessive limb-girdle muscular dystrophy type 2J (LGMDR10). Also called: Limb-girdle muscular dystrophy, type 2J; MUSCULAR DYSTROPHY, LIMB-GIRDLE, AUTOSOMAL RECESSIVE 10. Identifiers: Orphanet 140922, MedGen C1837342, MONDO:0012127, OMIM 608807.

Allele frequency attached by ClinVar (database versions not stated): TOPMed 0.00002; gnomAD 0.00003; gnomAD exomes 0.00005 and 0.00007; ExAC 0.00007.
gnomAD v4.1: 74 of 1,612,810 alleles (0.0046%); highest among the groups gnomAD compares: Middle Eastern, 0.016%; no homozygotes.

Submissions (11):

Labcorp Genetics (formerly Invitae), Labcorp
Classification: Likely benign for Dilated cardiomyopathy 1G; Autosomal recessive limb-girdle muscular dystrophy type 2J. Last evaluated: 2026-02-03. Review status: criteria provided, single submitter. Criteria: Invitae Variant Classification Sherloc (09022015). Collection method: clinical testing. Allele origin: germline.

PreventionGenetics, part of Exact Sciences
Classification: Likely benign for TTN-related condition. Last evaluated: 2025-12-18. Review status: criteria provided, single submitter. Criteria: ACMG Guidelines, 2015. Collection method: clinical testing. Allele origin: germline.
Comment: This variant is classified as likely benign based on ACMG/AMP sequence variant interpretation guidelines (Richards et al. 2015 PMID: 25741868, with internal and published modifications).

Molecular Diagnostic Laboratory for Inherited Cardiovascular Disease, Montreal Heart Institute
Classification: Likely benign. Last evaluated: 2025-04-09. Review status: criteria provided, single submitter. Criteria: ACMG Guidelines, 2015. Collection method: clinical testing. Allele origin: germline. Affected: no.

Ambry Genetics
Classification: Likely benign for Cardiovascular phenotype. Last evaluated: 2024-02-28. Review status: criteria provided, single submitter. Criteria: Ambry Variant Classification Scheme 2023. Collection method: clinical testing. Allele origin: germline.

Blueprint Genetics
Classification: Likely benign. Last evaluated: 2023-12-04. Review status: criteria provided, single submitter. Criteria: ACMG Guidelines, 2015. Collection method: clinical testing. Allele origin: germline.

CeGaT Center for Human Genetics Tuebingen
Classification: Likely benign. Last evaluated: 2023-08-01. Review status: criteria provided, single submitter. Criteria: CeGaT Center For Human Genetics Tuebingen Variant Classification Criteria Version 2. Collection method: clinical testing. Allele origin: germline. Affected: yes. Observed: 1 variant allele.
Comment: TTN: BP4, BP7

GeneDx
Classification: Likely benign. Last evaluated: 2020-10-12. Review status: criteria provided, single submitter. Criteria: GeneDx Variant Classification Process June 2021. Collection method: clinical testing. Allele origin: germline. Affected: yes.

Laboratory for Molecular Medicine, Mass General Brigham Personalized Medicine
Classification: Likely benign. Last evaluated: 2015-03-24. Review status: criteria provided, single submitter. Criteria: LMM Criteria. Collection method: clinical testing. Allele origin: germline. Observed: 1 variant allele.
Comment: proposed classification - variant undergoing re-assessment, contact laboratory

Clinical Genetics DNA and cytogenetics Diagnostics Lab, Erasmus MC, Erasmus Medical Center
Classification: Likely benign. Review status: no assertion criteria provided. Collection method: clinical testing. Allele origin: germline. Affected: yes. Study: VKGL Data-share Consensus. Not counted in ClinVar's aggregate classification.

Diagnostic Laboratory, Department of Genetics, University Medical Center Groningen
Classification: Likely benign. Review status: no assertion criteria provided. Collection method: clinical testing. Allele origin: germline. Affected: yes. Study: VKGL Data-share Consensus. Not counted in ClinVar's aggregate classification.

Genome Diagnostics Laboratory, University Medical Center Utrecht
Classification: Likely benign. Review status: no assertion criteria provided. Collection method: clinical testing. Allele origin: germline. Affected: yes. Study: VKGL Data-share Consensus. Not counted in ClinVar's aggregate classification.